The following is an entry in ClinVar:

ClinVar aggregate classification (germline): Uncertain significance (1 of 4 stars; one submission).

Conditions:
Hypertrophic cardiomyopathy. Also called: HYPERTROPHIC MYOCARDIOPATHY. Identifiers: Orphanet 217569, MedGen C0007194, MeSH D002312, MONDO:0005045, HP:0001639.

Submission:

Labcorp Genetics (formerly Invitae), Labcorp
Classification: Uncertain significance for Hypertrophic cardiomyopathy. Last evaluated: 2019-08-22. Review status: criteria provided, single submitter. Criteria: Invitae Variant Classification Sherloc (09022015). Collection method: clinical testing. Allele origin: germline.
Comment: The current clinical and genetic evidence is not sufficient to establish whether loss-of-function variants in MYH7 cause disease. In summary, the available evidence is currently insufficient to determine the role of this variant in disease. Therefore, it has been classified as a Variant of Uncertain Significance. Algorithms developed to predict the effect of sequence changes on RNA splicing suggest that this variant may disrupt the consensus splice site, but this prediction has not been confirmed by published transcriptional studies. This variant has not been reported in the literature in individuals with MYH7-related conditions. This variant is not present in population databases (ExAC no frequency). This sequence change affects a donor splice site in intron 3 of the MYH7 gene. It is expected to disrupt RNA splicing and likely results in an absent or disrupted protein product.

NM_000257.4(MYH7):c.201+2T>C

Gene: MYH7 (myosin heavy chain 7; minus strand). Cytogenetic location: 14q11.2.
Variant type: single nucleotide variant.
Coding change: c.201+2T>C on transcript NM_000257.4 (MANE Select); the canonical splice donor site of the intron after coding-DNA position 201, T replaced by C.
Molecular consequence: splice donor variant.
Genome position (GRCh38, 1-based): chr14:23,433,530, A>G on the plus strand (T>C on the coding strand, the complement: MYH7 is on the minus strand). VCF-style: chr14-23433530-A-G. GRCh37 (hg19) VCF-style: chr14-23902739-A-G.
Other names: c.201+2T>C (NM_001407004.1).
Identifiers: ClinVar variation 959040 (VCV000959040.8), dbSNP rs1893032172, ClinGen allele CA389053568.
Genomic context (GRCh38, chr14:23,433,530, plus strand): 5'-CTCTCTGTCCACCCAGGTGTACAGGTGGCCAGGGTGGACTCTCACATCAGCCTGACACCC[A>G]CCTTGCCATACTCGGTCTCGGCAGTGACTTTGCCACCCTCTCGAGACACGATCTTGGCCT-3'